The following is an entry in ClinVar:

NM_004722.4(AP4M1):c.861dup (p.Asp288fs)

Gene: AP4M1 (adaptor related protein complex 4 subunit mu 1; plus strand). Cytogenetic location: 7q22.1.
Variant type: Duplication.
Coding change: c.861dup on transcript NM_004722.4 (MANE Select); coding-DNA position 861, one base duplicated (C; older notation c.861dupC).
Protein change: p.Asp288fs; shifts the reading frame from aspartic acid 288.
Molecular consequence: frameshift variant.
Genome position (GRCh38, 1-based): chr7:100,105,471, C duplicated; the last of 2 consecutive C bases (chr7:100,105,470-100,105,471); duplicating either gives the same sequence. VCF-style (leftmost placement, unchanged base first): chr7-100105469-T-TC. GRCh37 (hg19) VCF-style: chr7-99703092-T-TC.
Other names: c.882dup, p.Asp295fs (NM_001363671.2); short protein forms D295fs, D288fs.
Identifiers: ClinVar variation 2749126 (VCV002749126.3), dbSNP rs2546958669, ClinGen allele CA2697557443.
Genomic context (GRCh38, chr7:100,105,469, plus strand): 5'-AGACCAAACTAACCTTGTTGCTCTCTGGTCTCTCAGCTGACTGTGATGCGGTACCAACTC[T>TC]CCGATGACCTCCCCTCACCGCTCCCCTTCCGGCTCTTCCCCTCTGTGCAGTGGGACCGAG-3'

ClinVar aggregate classification (germline): Pathogenic (1 of 4 stars; one submission).

Conditions:
Hereditary spastic paraplegia 50 (SPG50). Also called: Spastic paraplegia 50, autosomal recessive. Identifiers: Orphanet 280763, MedGen C2752008, MONDO:0013048, OMIM 612936.

Submission:

Labcorp Genetics (formerly Invitae), Labcorp
Classification: Pathogenic for Hereditary spastic paraplegia 50. Last evaluated: 2023-08-01. Review status: criteria provided, single submitter. Criteria: Invitae Variant Classification Sherloc (09022015). Collection method: clinical testing. Allele origin: germline.
Comment: This sequence change creates a premature translational stop signal (p.Asp288Argfs*2) in the AP4M1 gene. It is expected to result in an absent or disrupted protein product. Loss-of-function variants in AP4M1 are known to be pathogenic (PMID: 24700674, 25496299, 25558065). For these reasons, this variant has been classified as Pathogenic. This variant has not been reported in the literature in individuals affected with AP4M1-related conditions. This variant is not present in population databases (gnomAD no frequency).

Literature cited by the submitters: PubMed 24700674; PubMed 25496299; PubMed 25558065.